The following is an entry in ClinVar:

ClinVar aggregate classification (germline): Uncertain significance. Review status: criteria provided, multiple submitters, no conflicts (2 of 4 stars). 2 submissions from 2 submitters: Uncertain significance (2). Last evaluated 2025-12-10.

Conditions:
Inborn genetic diseases. Identifiers: MedGen C0950123, MeSH D030342.
Dyskeratosis congenita. Identifiers: Orphanet 1775, MedGen C0265965, MONDO:0015780.

Allele frequency attached by ClinVar (database versions not stated): gnomAD exomes below 0.00001.
gnomAD v4.1: 1 of 1,614,160 alleles (0.000062%); highest among the groups gnomAD compares: Non-Finnish European, 0.000085%; no homozygotes.

Submissions (2):

Ambry Genetics
Classification: Uncertain significance for Inborn genetic diseases. Last evaluated: 2025-12-10. Review status: criteria provided, single submitter. Criteria: Ambry Variant Classification Scheme 2023. Collection method: clinical testing. Allele origin: germline.

Labcorp Genetics (formerly Invitae), Labcorp
Classification: Uncertain significance for Dyskeratosis congenita. Last evaluated: 2021-11-28. Review status: criteria provided, single submitter. Criteria: Invitae Variant Classification Sherloc (09022015). Collection method: clinical testing. Allele origin: germline.
Comment: This variant has not been reported in the literature in individuals affected with CTC1-related conditions. This variant is not present in population databases (gnomAD no frequency). This sequence change replaces glutamine, which is neutral and polar, with proline, which is neutral and non-polar, at codon 1038 of the CTC1 protein (p.Gln1038Pro). Algorithms developed to predict the effect of missense changes on protein structure and function are either unavailable or do not agree on the potential impact of this missense change (SIFT: "Tolerated"; PolyPhen-2: "Possibly Damaging"; Align-GVGD: "Class C0"). In summary, the available evidence is currently insufficient to determine the role of this variant in disease. Therefore, it has been classified as a Variant of Uncertain Significance.

NM_025099.6(CTC1):c.3113A>C (p.Gln1038Pro)

Gene: CTC1 (CST telomere replication complex component 1; minus strand). Cytogenetic location: 17p13.1.
Variant type: single nucleotide variant.
Coding change: c.3113A>C on transcript NM_025099.6 (MANE Select); coding-DNA position 3113, A replaced by C.
Protein change: p.Gln1038Pro; replaces glutamine 1038 with proline.
Molecular consequence: missense variant. On other transcripts: non-coding transcript variant (1).
Genome position (GRCh38, 1-based): chr17:8,229,345, T>G on the plus strand (A>C on the coding strand, the complement: CTC1 is on the minus strand). VCF-style: chr17-8229345-T-G. GRCh37 (hg19) VCF-style: chr17-8132663-T-G.
Other names: c.3113A>C (NM_025099.5); short protein forms Q1038P.
Identifiers: ClinVar variation 1418027 (VCV001418027.7), dbSNP rs1486092046, ClinGen allele CA397971728.